The following is an entry in ClinVar:

ClinVar aggregate classification (germline): Uncertain significance (1 of 4 stars; one submission).

Conditions:
Combined immunodeficiency with skin granulomas. Identifiers: Orphanet 157949, MedGen C2673536, MONDO:0009306, OMIM 233650.
Severe combined immunodeficiency, autosomal recessive, T cell-negative, B cell-negative, NK cell-positive. Also called: Severe combined immunodeficiency due to complete RAG1/2 deficiency; SCID, AR, T-cell negative, B-cell negative, NK cell-positive; SCID, T CELL-NEGATIVE, B CELL-NEGATIVE, NK CELL-POSITIVE. Identifiers: Orphanet 331206, MedGen C1832322, MONDO:0011086, OMIM 601457.

gnomAD v4.1: 1 of 1,614,210 alleles (0.000062%); highest among the groups gnomAD compares: Non-Finnish European, 0.000085%; no homozygotes.

Submission:

Labcorp Genetics (formerly Invitae), Labcorp
Classification: Uncertain significance for Combined immunodeficiency with skin granulomas; Severe combined immunodeficiency, autosomal recessive, T cell-negative, B cell-negative, NK cell-positive. Last evaluated: 2021-08-31. Review status: criteria provided, single submitter. Criteria: Invitae Variant Classification Sherloc (09022015). Collection method: clinical testing. Allele origin: germline.
Comment: This sequence change replaces valine with isoleucine at codon 65 of the RAG1 protein (p.Val65Ile). The valine residue is moderately conserved and there is a small physicochemical difference between valine and isoleucine. This variant is not present in population databases (ExAC no frequency). This variant has not been reported in the literature in individuals affected with RAG1-related conditions. Algorithms developed to predict the effect of missense changes on protein structure and function output the following: SIFT: "Tolerated"; PolyPhen-2: "Benign"; Align-GVGD: "Class C0". The isoleucine amino acid residue is found in multiple mammalian species, which suggests that this missense change does not adversely affect protein function. In summary, the available evidence is currently insufficient to determine the role of this variant in disease. Therefore, it has been classified as a Variant of Uncertain Significance.

NM_000448.3(RAG1):c.193G>A (p.Val65Ile)

Gene: RAG1 (recombination activating 1; plus strand). Cytogenetic location: 11p12.
Variant type: single nucleotide variant.
Coding change: c.193G>A on transcript NM_000448.3 (MANE Select); coding-DNA position 193, G replaced by A.
Protein change: p.Val65Ile; replaces valine 65 with isoleucine.
Molecular consequence: missense variant.
Genome position (GRCh38, 1-based): chr11:36,573,497, G>A. VCF-style: chr11-36573497-G-A. GRCh37 (hg19) VCF-style: chr11-36595047-G-A.
Other names: c.193G>A, p.Val65Ile (NM_001377277.1, NM_001377278.1, NM_001377279.1 and 1 more transcripts); short protein forms V65I.
Identifiers: ClinVar variation 1054493 (VCV001054493.6), dbSNP rs750032999, ClinGen allele CA380145849.